The following is an entry in ClinVar:

ClinVar aggregate classification (germline): Benign/Likely benign. Review status: criteria provided, multiple submitters, no conflicts (2 of 4 stars). 11 submissions from 11 submitters: Benign (3); Likely benign (8). Last evaluated 2026-06-08.

Conditions:
TSC1-related disorder. Also called: TSC1-related condition.
Tuberous sclerosis syndrome (TSC). Also called: Tuberous Sclerosis Complex; Tuberous sclerosis. Identifiers: Orphanet 805, MedGen C0041341, MONDO:0001734.
Hereditary cancer-predisposing syndrome. Also called: Tumor predisposition; Neoplastic Syndromes, Hereditary; Hereditary Cancer Syndrome; Hereditary neoplastic syndrome. Identifiers: Orphanet 140162, MedGen C0027672, MeSH D009386, MONDO:0015356.
Tuberous sclerosis 1 (TSC1). Identifiers: Orphanet 805, MedGen C1854465, MONDO:0008612, OMIM 191100.

Allele frequency attached by ClinVar (database versions not stated): ExAC 0.00006; gnomAD exomes 0.00006; TOPMed 0.00009.
gnomAD v4.1: 71 of 1,614,064 alleles (0.0044%); highest among the groups gnomAD compares: Middle Eastern, 0.016%; no homozygotes.

Submissions (11):

PreventionGenetics, part of Exact Sciences
Classification: Likely benign for TSC1-related condition. Last evaluated: 2026-06-08. Review status: criteria provided, single submitter. Criteria: ACMG Guidelines, 2015. Collection method: clinical testing. Allele origin: germline.
Comment: This variant is classified as likely benign based on ACMG/AMP sequence variant interpretation guidelines (Richards et al. 2015 PMID: 25741868, with internal and published modifications).

Labcorp Genetics (formerly Invitae), Labcorp
Classification: Benign for Tuberous sclerosis 1. Last evaluated: 2026-01-18. Review status: criteria provided, single submitter. Criteria: Invitae Variant Classification Sherloc (09022015). Collection method: clinical testing. Allele origin: germline.

Quest Diagnostics Nichols Institute San Juan Capistrano
Classification: Benign. Last evaluated: 2025-04-25. Review status: criteria provided, single submitter. Criteria: Quest Diagnostics criteria. Collection method: clinical testing. Allele origin: unknown.

Myriad Genetics, Inc.
Classification: Likely benign for Tuberous sclerosis 1. Last evaluated: 2025-04-10. Review status: criteria provided, single submitter. Criteria: Myriad Autosomal Dominant, Autosomal Recessive and X-Linked Classification Criteria (2023). Collection method: clinical testing. Allele origin: unknown.
Comment: This variant is considered likely benign. This variant has been observed at a population frequency that is significantly greater than expected given the associated disease prevalence and penetrance.

Blueprint Genetics
Classification: Likely benign. Last evaluated: 2024-11-05. Review status: criteria provided, single submitter. Criteria: ACMG Guidelines, 2015. Collection method: clinical testing. Allele origin: germline.

Color Diagnostics, LLC DBA Color Health
Classification: Likely benign for Tuberous sclerosis syndrome. Last evaluated: 2022-12-15. Review status: criteria provided, single submitter. Criteria: ACMG Guidelines, 2015. Collection method: clinical testing. Allele origin: germline.

CeGaT Center for Human Genetics Tuebingen
Classification: Likely benign. Last evaluated: 2022-12-01. Review status: criteria provided, single submitter. Criteria: CeGaT Center For Human Genetics Tuebingen Variant Classification Criteria Version 2. Collection method: clinical testing. Allele origin: germline. Affected: yes. Observed: 1 variant allele.
Comment: TSC1: BS2

Genome-Nilou Lab
Classification: Benign for Tuberous sclerosis 1. Last evaluated: 2021-11-07. Review status: criteria provided, single submitter. Criteria: ACMG Guidelines, 2015. Collection method: clinical testing. Allele origin: germline. Affected: no.

Sema4
Classification: Likely benign for Hereditary cancer-predisposing syndrome. Last evaluated: 2021-07-05. Review status: criteria provided, single submitter. Criteria: Sema4 Curation Guidelines. Collection method: curation. Allele origin: germline.

GeneDx
Classification: Likely benign. Last evaluated: 2019-11-25. Review status: criteria provided, single submitter. Criteria: GeneDx Variant Classification Process June 2021. Collection method: clinical testing. Allele origin: germline. Affected: yes.

Ambry Genetics
Classification: Likely benign for Hereditary cancer-predisposing syndrome. Last evaluated: 2019-06-07. Review status: criteria provided, single submitter. Criteria: Ambry Variant Classification Scheme 2023. Collection method: clinical testing. Allele origin: germline.

NM_000368.5(TSC1):c.1808C>T (p.Pro603Leu)

Gene: TSC1 (TSC complex subunit 1; minus strand). Cytogenetic location: 9q34.13.
Variant type: single nucleotide variant.
Coding change: c.1808C>T on transcript NM_000368.5 (MANE Select); coding-DNA position 1808, C replaced by T.
Protein change: p.Pro603Leu; replaces proline 603 with leucine.
Molecular consequence: missense variant.
Genome position (GRCh38, 1-based): chr9:132,905,770, G>A on the plus strand (C>T on the coding strand, the complement: TSC1 is on the minus strand). VCF-style: chr9-132905770-G-A. GRCh37 (hg19) VCF-style: chr9-135781157-G-A.
Other names: p.P603L:CCG>CTG; c.1805C>T, p.Pro602Leu (NM_001162426.2); c.1655C>T, p.Pro552Leu (NM_001162427.2); c.1445C>T, p.Pro482Leu (NM_001362177.2); short protein forms P603L, P482L, P602L, P552L.
Identifiers: ClinVar variation 207611 (VCV000207611.49), dbSNP rs751247705, ClinGen allele CA029874.